The following is an entry in ClinVar:

NM_021930.6(RINT1):c.2021del (p.Phe674fs)

Genes: EFCAB10 (EF-hand calcium binding domain 10; minus strand), RINT1 (RAD50 interactor 1; plus strand). Cytogenetic location: 7q22.3.
Variant type: Deletion.
Coding change: c.2021del on transcript NM_021930.6 (MANE Select); coding-DNA position 2021, one base deleted (T; older notation c.2021delT).
Protein change: p.Phe674fs; shifts the reading frame from phenylalanine 674.
Molecular consequence: frameshift variant. On other transcripts: 3 prime UTR variant (2), non-coding transcript variant (1).
Genome position (GRCh38, 1-based): chr7:105,565,411, T deleted; the last of 4 consecutive T bases (chr7:105,565,408-105,565,411); deleting any one gives the same sequence. VCF-style (leftmost placement, unchanged base first): chr7-105565407-AT-A. GRCh37 (hg19) VCF-style: chr7-105205854-AT-A.
Other names: c.*39del (NM_001355526.2); c.*141del (NM_001355530.2); c.399del, p.Lys133fs (NM_001355531.2); c.1787del, p.Phe596fs (NM_001346599.2); c.998del, p.Phe333fs (NM_001346600.2, NM_001346603.2); c.1097del, p.Phe366fs (NM_001346601.2); short protein forms F366fs, F674fs, F596fs, F333fs, K133fs.
Identifiers: ClinVar variation 1430736 (VCV001430736.6), dbSNP rs2133477788, ClinGen allele CA2573141466.

ClinVar aggregate classification (germline): Pathogenic (1 of 4 stars; one submission).

Submission:

Labcorp Genetics (formerly Invitae), Labcorp
Classification: Pathogenic. Last evaluated: 2025-04-07. Review status: criteria provided, single submitter. Criteria: Invitae Variant Classification Sherloc (09022015). Collection method: clinical testing. Allele origin: germline.
Comment: This sequence change creates a premature translational stop signal (p.Phe674Serfs*6) in the RINT1 gene. It is expected to result in an absent or disrupted protein product. Loss-of-function variants in RINT1 are known to be pathogenic (PMID: 31204009). This variant is not present in population databases (gnomAD no frequency). This variant has not been reported in the literature in individuals affected with RINT1-related conditions. ClinVar contains an entry for this variant (Variation ID: 1430736). For these reasons, this variant has been classified as Pathogenic.

Literature cited by the submitters: PubMed 31204009.